The following is an entry in ClinVar:

NM_016507.4(CDK12):c.89C>G (p.Ser30Cys)

Genes: CDK12 (cyclin dependent kinase 12; plus strand), LOC126862553 (CDK7 strongly-dependent group 2 enhancer GRCh37_chr17:37618166-37619365; plus strand). Cytogenetic location: 17q12.
Variant type: single nucleotide variant.
Coding change: c.89C>G on transcript NM_016507.4 (MANE Select); coding-DNA position 89, C replaced by G.
Protein change: p.Ser30Cys; replaces serine 30 with cysteine.
Molecular consequence: missense variant.
Genome position (GRCh38, 1-based): chr17:39,462,160, C>G. VCF-style: chr17-39462160-C-G. GRCh37 (hg19) VCF-style: chr17-37618413-C-G.
Other names: c.89C>G, p.Ser30Cys (NM_015083.4); short protein forms S30C.
Identifiers: ClinVar variation 3999454 (VCV003999454.1).

ClinVar aggregate classification (germline): Uncertain significance (1 of 4 stars; one submission).

Submission:

Ambry Genetics
Classification: Uncertain significance. Last evaluated: 2025-05-16. Review status: criteria provided, single submitter. Criteria: Ambry Variant Classification Scheme 2023. Collection method: clinical testing. Allele origin: germline.
Comment: The p.S30C variant (also known as c.89C>G), located in coding exon 1 of the CDK12 gene, results from a C to G substitution at nucleotide position 89. The serine at codon 30 is replaced by cysteine, an amino acid with dissimilar properties. This amino acid position is conserved. In addition, this alteration is predicted to be tolerated by in silico analysis. Based on the available evidence, the clinical significance of this variant remains unclear.